The following is an entry in ClinVar:

NM_018136.5(ASPM):c.7049T>A (p.Leu2350Ter)

Gene: ASPM (assembly factor for spindle microtubules; minus strand). Cytogenetic location: 1q31.3.
Variant type: single nucleotide variant.
Coding change: c.7049T>A on transcript NM_018136.5 (MANE Select); coding-DNA position 7049, T replaced by A.
Protein change: p.Leu2350Ter; replaces leucine 2350 with a stop codon.
Molecular consequence: nonsense. On other transcripts: intron variant (1).
Genome position (GRCh38, 1-based): chr1:197,102,202, A>T on the plus strand (T>A on the coding strand, the complement: ASPM is on the minus strand). VCF-style: chr1-197102202-A-T. GRCh37 (hg19) VCF-style: chr1-197071332-A-T.
Other names: c.4066-6038T>A (NM_001206846.2); short protein forms L2350*.
Identifiers: ClinVar variation 1451824 (VCV001451824.6), dbSNP rs2125094632, ClinGen allele CA344020461.
Genomic context (GRCh38, chr1:197,102,202, plus strand): 5'-GCTTGGTATTGCTGTTGGATCACAACGGAGGCCTGTTTCAAAGCCTGATATCTCATATGT[A>T]ATCTGTGCATTCTGAAAGTAGACTGGATGAAAGTAGCAGCCCTGTGCATCTCTCGCATCC-3'

ClinVar aggregate classification (germline): Pathogenic (1 of 4 stars; one submission).

Allele frequency attached by ClinVar (database versions not stated): gnomAD exomes below 0.00001.
gnomAD v4.1: 1 of 1,612,742 alleles (0.000062%); highest among the groups gnomAD compares: Non-Finnish European, 0.000085%; no homozygotes.

Submission:

Labcorp Genetics (formerly Invitae), Labcorp
Classification: Pathogenic. Last evaluated: 2021-11-22. Review status: criteria provided, single submitter. Criteria: Invitae Variant Classification Sherloc (09022015). Collection method: clinical testing. Allele origin: germline.
Comment: This sequence change creates a premature translational stop signal (p.Leu2350*) in the ASPM gene. It is expected to result in an absent or disrupted protein product. Loss-of-function variants in ASPM are known to be pathogenic (PMID: 19028728, 23611254). For these reasons, this variant has been classified as Pathogenic. This variant has not been reported in the literature in individuals affected with ASPM-related conditions. This variant is not present in population databases (gnomAD no frequency).

Literature cited by the submitters: PubMed 19028728; PubMed 23611254.